The following is an entry in ClinVar:

NM_000038.6(APC):c.7189G>A (p.Ala2397Thr)

Gene: APC (APC regulator of Wnt signaling pathway; plus strand). Cytogenetic location: 5q22.2.
Variant type: single nucleotide variant.
Coding change: c.7189G>A on transcript NM_000038.6 (MANE Select); coding-DNA position 7189, G replaced by A.
Protein change: p.Ala2397Thr; replaces alanine 2397 with threonine.
Molecular consequence: missense variant.
Genome position (GRCh38, 1-based): chr5:112,842,783, G>A. VCF-style: chr5-112842783-G-A. GRCh37 (hg19) VCF-style: chr5-112178480-G-A.
Other names: c.7189G>A, p.Ala2397Thr (NM_001127510.3, NM_001354895.2); c.7135G>A, p.Ala2379Thr (NM_001127511.3); c.7243G>A, p.Ala2415Thr (NM_001354896.2); c.7219G>A, p.Ala2407Thr (NM_001354897.2); c.7114G>A, p.Ala2372Thr (NM_001354898.2); c.7105G>A, p.Ala2369Thr (NM_001354899.2); c.7066G>A, p.Ala2356Thr (NM_001354900.2); c.7012G>A, p.Ala2338Thr (NM_001354901.2); and 5 more; short protein forms A2379T, A2397T, A2296T, A2306T, A2407T, A2237T, A2271T, A2338T.
Identifiers: ClinVar variation 490356 (VCV000490356.17), dbSNP rs1554088112, ClinGen allele CA16036988.

ClinVar aggregate classification (germline): Uncertain significance. Review status: criteria provided, multiple submitters, no conflicts (2 of 4 stars). 3 submissions from 3 submitters: Uncertain significance (3). Last evaluated 2025-04-25.

Conditions:
Hereditary cancer-predisposing syndrome. Also called: Hereditary Cancer Syndrome; Neoplastic Syndromes, Hereditary; Tumor predisposition; Hereditary neoplastic syndrome. Identifiers: Orphanet 140162, MedGen C0027672, MeSH D009386, MONDO:0015356.
Familial adenomatous polyposis 1 (FAP1). Also called: POLYPOSIS, ADENOMATOUS INTESTINAL; FAMILIAL ADENOMATOUS POLYPOSIS 1, ATTENUATED. Identifiers: MedGen C2713442, MONDO:0021056, OMIM 175100. Disease mechanism: loss of function.

Allele frequency attached by ClinVar (database versions not stated): gnomAD exomes below 0.00001.
gnomAD v4.1: 1 of 1,613,768 alleles (0.000062%); highest among the groups gnomAD compares: Non-Finnish European, 0.000085%; no homozygotes.

Submissions (3):

Ambry Genetics
Classification: Uncertain significance for Hereditary cancer-predisposing syndrome. Last evaluated: 2025-04-25. Review status: criteria provided, single submitter. Criteria: Ambry Variant Classification Scheme 2023. Collection method: clinical testing. Allele origin: germline.
Comment: The p.A2397T variant (also known as c.7189G>A), located in coding exon 15 of the APC gene, results from a G to A substitution at nucleotide position 7189. The alanine at codon 2397 is replaced by threonine, an amino acid with similar properties. This amino acid position is well conserved in available vertebrate species. In addition, in silico predictors for this gene do not accurately predict pathogenicity. Missense alterations in APC are not a common cause of disease (Spier I et al. Genet Med. 2024 Feb;26(2):100992). Based on the available evidence, the clinical significance of this variant remains unclear.

Labcorp Genetics (formerly Invitae), Labcorp
Classification: Uncertain significance for Familial adenomatous polyposis 1. Last evaluated: 2025-02-02. Review status: criteria provided, single submitter. Criteria: Invitae Variant Classification Sherloc (09022015). Collection method: clinical testing. Allele origin: germline.
Comment: This sequence change replaces alanine, which is neutral and non-polar, with threonine, which is neutral and polar, at codon 2397 of the APC protein (p.Ala2397Thr). This variant is not present in population databases (gnomAD no frequency). This variant has not been reported in the literature in individuals affected with APC-related conditions. ClinVar contains an entry for this variant (Variation ID: 490356). Invitae Evidence Modeling of protein sequence and biophysical properties (such as structural, functional, and spatial information, amino acid conservation, physicochemical variation, residue mobility, and thermodynamic stability) indicates that this missense variant is not expected to disrupt APC protein function with a negative predictive value of 95%. In summary, the available evidence is currently insufficient to determine the role of this variant in disease. Therefore, it has been classified as a Variant of Uncertain Significance.

Color Diagnostics, LLC DBA Color Health
Classification: Uncertain significance for Hereditary cancer-predisposing syndrome. Last evaluated: 2023-12-05. Review status: criteria provided, single submitter. Criteria: ACMG Guidelines, 2015. Collection method: clinical testing. Allele origin: germline.
Comment: This missense variant replaces alanine with threonine at codon 2397 of the APC protein. Computational prediction suggests that this variant may not impact protein structure and function (internally defined REVEL score threshold <= 0.5, PMID: 27666373). To our knowledge, functional studies have not been reported for this variant. This variant has not been reported in individuals affected with APC-related disorders in the literature. This variant has not been identified in the general population by the Genome Aggregation Database (gnomAD). The available evidence is insufficient to determine the role of this variant in disease conclusively. Therefore, this variant is classified as a Variant of Uncertain Significance.